The following is an entry in ClinVar:

ClinVar aggregate classification (germline): Conflicting classifications of pathogenicity. Review status: criteria provided, conflicting classifications (1 of 4 stars). 2 submissions from 2 submitters: Uncertain significance (1); Likely benign (1). Last evaluated 2024-05-24.

Allele frequency attached by ClinVar (database versions not stated): ExAC 0.00002; gnomAD 0.00002; TOPMed 0.00003; gnomAD exomes 0.00002.
gnomAD v4.1: 17 of 1,613,312 alleles (0.0011%); highest among the groups gnomAD compares: South Asian, 0.0088%; no homozygotes.

Submissions (2):

Labcorp Genetics (formerly Invitae), Labcorp
Classification: Likely benign. Last evaluated: 2024-05-24. Review status: criteria provided, single submitter. Criteria: Invitae Variant Classification Sherloc (09022015). Collection method: clinical testing. Allele origin: germline.

Center for Pediatric Genomic Medicine, Children's Mercy Hospital and Clinics
Classification: Uncertain significance. Last evaluated: 2016-02-01. Review status: criteria provided, single submitter. Criteria: ACMG Guidelines, 2015. Collection method: clinical testing. Allele origin: germline.
ClinVar note: Converted during submission from Uncertain Significance to Uncertain significance.

NM_001080517.3(SETD5):c.382A>G (p.Ile128Val)

Gene: SETD5 (SET domain containing 5; plus strand). Cytogenetic location: 3p25.3.
Variant type: single nucleotide variant.
Coding change: c.382A>G on transcript NM_001080517.3 (MANE Select); coding-DNA position 382, A replaced by G.
Protein change: p.Ile128Val; replaces isoleucine 128 with valine.
Molecular consequence: missense variant.
Genome position (GRCh38, 1-based): chr3:9,434,876, A>G. VCF-style: chr3-9434876-A-G. GRCh37 (hg19) VCF-style: chr3-9476560-A-G.
Other names: c.49A>G, p.Ile17Val (NM_001292043.2, NM_001349451.2); short protein forms I128V, I17V.
Identifiers: ClinVar variation 235575 (VCV000235575.8), dbSNP rs780263494, ClinGen allele CA2238933.